The following is an entry in ClinVar:

NM_005677.4(COLQ):c.640G>T (p.Glu214Ter)

Gene: COLQ (collagen like tail subunit of asymmetric acetylcholinesterase; minus strand). Cytogenetic location: 3p25.1.
Variant type: single nucleotide variant.
Coding change: c.640G>T on transcript NM_005677.4 (MANE Select); coding-DNA position 640, G replaced by T.
Protein change: p.Glu214Ter; replaces glutamic acid 214 with a stop codon.
Molecular consequence: nonsense.
Genome position (GRCh38, 1-based): chr3:15,470,613, C>A on the plus strand (G>T on the coding strand, the complement: COLQ is on the minus strand). VCF-style: chr3-15470613-C-A. GRCh37 (hg19) VCF-style: chr3-15512120-C-A.
Other names: c.610G>T, p.Glu204Ter (NM_080538.2); c.538G>T, p.Glu180Ter (NM_080539.4); short protein forms E214*, E204*, E180*.
Identifiers: ClinVar variation 6649 (VCV000006649.13), dbSNP rs104893733, ClinGen allele CA118389.

ClinVar aggregate classification (germline): Pathogenic. Review status: criteria provided, multiple submitters, no conflicts (2 of 4 stars). 3 submissions from 3 submitters: Pathogenic (2). 1 of the submissions does not count toward it. Last evaluated 2025-03-25.

Conditions:
Congenital myasthenic syndrome 5. Identifiers: Orphanet 590, MedGen C1864233, MONDO:0011281, OMIM 603034.

Allele frequency attached by ClinVar (database versions not stated): TOPMed below 0.00001; gnomAD 0.00001; gnomAD exomes 0.00001 and 0.00002; ExAC 0.00004.
gnomAD v4.1: 8 of 1,613,992 alleles (0.0005%); highest among the groups gnomAD compares: Admixed American, 0.013%; no homozygotes.

Submissions (3):

Labcorp Genetics (formerly Invitae), Labcorp
Classification: Pathogenic for Congenital myasthenic syndrome 5. Last evaluated: 2025-03-25. Review status: criteria provided, single submitter. Criteria: Invitae Variant Classification Sherloc (09022015). Collection method: clinical testing. Allele origin: germline.
Comment: This sequence change creates a premature translational stop signal (p.Glu214*) in the COLQ gene. It is expected to result in an absent or disrupted protein product. Loss-of-function variants in COLQ are known to be pathogenic (PMID: 22678886). This variant is present in population databases (rs104893733, gnomAD 0.01%). This premature translational stop signal has been observed in individual(s) with congenital myasthenic syndrome (PMID: 9689136; 29054425).). In at least one individual the data is consistent with being in trans (on the opposite chromosome) from a pathogenic variant. ClinVar contains an entry for this variant (Variation ID: 6649). For these reasons, this variant has been classified as Pathogenic.

Baylor Genetics
Classification: Pathogenic for Congenital myasthenic syndrome 5. Last evaluated: 2024-01-18. Review status: criteria provided, single submitter. Criteria: ACMG Guidelines, 2015. Collection method: clinical testing. Allele origin: unknown.

OMIM
Classification: Pathogenic for MYASTHENIC SYNDROME, CONGENITAL, 5. Last evaluated: 1998-08-04. Review status: no assertion criteria provided. Collection method: literature only. Allele origin: germline. Not counted in ClinVar's aggregate classification.

Literature cited by the submitters: PubMed 22678886 (cited by Labcorp Genetics (formerly Invitae), Labcorp); PubMed 9689136 (cited by Labcorp Genetics (formerly Invitae), Labcorp and OMIM); PubMed 29054425 (cited by Labcorp Genetics (formerly Invitae), Labcorp).